The following is an entry in ClinVar:

ClinVar aggregate classification (germline): Uncertain significance (1 of 4 stars; one submission).

Conditions:
Neuroblastoma, susceptibility to, 3. Also called: ALK-Related Neuroblastic Tumor Susceptibility. Identifiers: Orphanet 635, MedGen C2751681, MONDO:0013083, OMIM 613014.

Submission:

Labcorp Genetics (formerly Invitae), Labcorp
Classification: Uncertain significance for Neuroblastoma, susceptibility to, 3. Last evaluated: 2022-03-07. Review status: criteria provided, single submitter. Criteria: Invitae Variant Classification Sherloc (09022015). Collection method: clinical testing. Allele origin: germline.
Comment: In summary, the available evidence is currently insufficient to determine the role of this variant in disease. Therefore, it has been classified as a Variant of Uncertain Significance. ClinVar contains an entry for this variant (Variation ID: 1010934). This variant has not been reported in the literature in individuals affected with ALK-related conditions. This variant is not present in population databases (gnomAD no frequency). This sequence change creates a premature translational stop signal (p.Asn808Glufs*6) in the ALK gene. It is expected to result in an absent or disrupted protein product. However, the current clinical and genetic evidence is not sufficient to establish whether loss-of-function variants in ALK cause disease.

NM_004304.5(ALK):c.2420dup (p.Asn808fs)

Gene: ALK (ALK receptor tyrosine kinase; minus strand). Cytogenetic location: 2p23.2.
Variant type: Duplication.
Coding change: c.2420dup on transcript NM_004304.5 (MANE Select); coding-DNA position 2420, one base duplicated (T; older notation c.2420dupT).
Protein change: p.Asn808fs; shifts the reading frame from asparagine 808.
Molecular consequence: frameshift variant.
Genome position (GRCh38, 1-based): chr2:29,233,632, A duplicated on the plus strand (T on the coding strand, the reverse complement: ALK is on the minus strand). VCF-style (leftmost placement, unchanged base first): chr2-29233631-C-CA. GRCh37 (hg19) VCF-style: chr2-29456497-C-CA.
Other names: short protein forms N808fs.
Identifiers: ClinVar variation 1010934 (VCV001010934.6), dbSNP rs1664283510, ClinGen allele CA1241096129.
Genomic context (GRCh38, chr2:29,233,631, plus strand): 5'-TACGTAGGTGGCTCCACCCCCTCCTCCTCCGCCTCCTGCCCACTCATGCACGCTTCTGTT[C>CA]ACACGGATTTCTTCTTCTATCACATTGTTCTCTCCAATGCAGACTTTCTGGATTAACTGG-3'